The following is an entry in ClinVar:

NM_001360.3(DHCR7):c.546G>C (p.Trp182Cys)

Gene: DHCR7 (7-dehydrocholesterol reductase; minus strand). Cytogenetic location: 11q13.4.
Variant type: single nucleotide variant.
Coding change: c.546G>C on transcript NM_001360.3 (MANE Select); coding-DNA position 546, G replaced by C.
Protein change: p.Trp182Cys; replaces tryptophan 182 with cysteine.
Molecular consequence: missense variant.
Genome position (GRCh38, 1-based): chr11:71,441,307, C>G on the plus strand (G>C on the coding strand, the complement: DHCR7 is on the minus strand). VCF-style: chr11-71441307-C-G. GRCh37 (hg19) VCF-style: chr11-71152353-C-G.
Other names: c.546G>C, p.Trp182Cys (NM_001163817.2, NM_001425107.1, NM_001425109.1 and 7 more transcripts); c.582G>C, p.Trp194Cys (NM_001425108.1); c.486G>C, p.Trp162Cys (NM_001425113.1); c.450G>C, p.Trp150Cys (NM_001425114.1, NM_001425116.1); c.372G>C, p.Trp124Cys (NM_001425117.1); short protein forms W194C, W182C, W162C, W124C, W150C.
Identifiers: ClinVar variation 2735696 (VCV002735696.4), dbSNP rs1032242817, ClinGen allele CA381694455.

ClinVar aggregate classification (germline): Likely pathogenic. Review status: criteria provided, multiple submitters, no conflicts (2 of 4 stars). 2 submissions from 2 submitters: Likely pathogenic (2). Last evaluated 2025-07-03.

Conditions:
Smith-Lemli-Opitz syndrome (SLOS). Also called: 7-Dehydrocholesterol reductase deficiency; LETHAL ACRODYSGENITAL SYNDROME; POLYDACTYLY, SEX REVERSAL, RENAL HYPOPLASIA, AND UNILOBAR LUNG; RSH SYNDROME; RUTLEDGE LETHAL MULTIPLE CONGENITAL ANOMALY SYNDROME. Identifiers: Orphanet 818, MedGen C0175694, MONDO:0010035, OMIM 270400.

gnomAD v4.1: 4 of 1,614,104 alleles (0.00025%); highest among the groups gnomAD compares: Non-Finnish European, 0.00034%; no homozygotes.

Submissions (2):

Myriad Genetics, Inc.
Classification: Likely pathogenic for Smith-Lemli-Opitz syndrome. Last evaluated: 2025-07-03. Review status: criteria provided, single submitter. Criteria: Myriad Autosomal Dominant, Autosomal Recessive and X-Linked Classification Criteria (2023). Collection method: clinical testing. Allele origin: unknown.
Comment: NM_001360.2(DHCR7):c.546G>C(W182C) is a missense variant classified as likely pathogenic in the context of Smith-Lemli-Opitz syndrome. W182C has been observed in cases with relevant disease (PMID: 17994283, 10677299). Relevant functional assessments of this variant are available in the literature (PMID: 10677299). W182C has not been observed in referenced population frequency databases. In summary, NM_001360.2(DHCR7):c.546G>C(W182C) is a missense variant that has been observed more frequently in cases with the relevant disease than in healthy populations. Please note: this variant was assessed in the context of healthy population screening.

Labcorp Genetics (formerly Invitae), Labcorp
Classification: Likely pathogenic for Smith-Lemli-Opitz syndrome. Last evaluated: 2023-02-03. Review status: criteria provided, single submitter. Criteria: Invitae Variant Classification Sherloc (09022015). Collection method: clinical testing. Allele origin: germline.
Comment: This variant is not present in population databases (gnomAD no frequency). In summary, the currently available evidence indicates that the variant is pathogenic, but additional data are needed to prove that conclusively. Therefore, this variant has been classified as Likely Pathogenic. This variant disrupts the p.Trp182 amino acid residue in DHCR7. Other variant(s) that disrupt this residue have been determined to be pathogenic (PMID: 11427181, 15776424, 15979035). This suggests that this residue is clinically significant, and that variants that disrupt this residue are likely to be disease-causing. Studies have shown that this missense change alters DHCR7 gene expression (PMID: 10677299). Advanced modeling of protein sequence and biophysical properties (such as structural, functional, and spatial information, amino acid conservation, physicochemical variation, residue mobility, and thermodynamic stability) performed at Invitae indicates that this missense variant is expected to disrupt DHCR7 protein function. This missense change has been observed in individual(s) with clinical features of DHCR7-related conditions (PMID: 10677299, 12818773, 17994283). This sequence change replaces tryptophan, which is neutral and slightly polar, with cysteine, which is neutral and slightly polar, at codon 182 of the DHCR7 protein (p.Trp182Cys).

Literature cited by the submitters: PubMed 10677299 (cited by Myriad Genetics, Inc. and Labcorp Genetics (formerly Invitae), Labcorp); PubMed 17994283 (cited by Myriad Genetics, Inc. and Labcorp Genetics (formerly Invitae), Labcorp); PubMed 11427181 (cited by Labcorp Genetics (formerly Invitae), Labcorp); PubMed 15776424 (cited by Labcorp Genetics (formerly Invitae), Labcorp); PubMed 15979035 (cited by Labcorp Genetics (formerly Invitae), Labcorp); PubMed 12818773 (cited by Labcorp Genetics (formerly Invitae), Labcorp).